The following is an entry in ClinVar:

NM_021927.3(GUF1):c.1747T>G (p.Cys583Gly)

Gene: GUF1 (GTP binding elongation factor GUF1; plus strand). Cytogenetic location: 4p12.
Variant type: single nucleotide variant.
Coding change: c.1747T>G on transcript NM_021927.3 (MANE Select); coding-DNA position 1747, T replaced by G.
Protein change: p.Cys583Gly; replaces cysteine 583 with glycine.
Molecular consequence: missense variant. On other transcripts: intron variant (1).
Genome position (GRCh38, 1-based): chr4:44,695,646, T>G. VCF-style: chr4-44695646-T-G. GRCh37 (hg19) VCF-style: chr4-44697663-T-G.
Other names: c.775T>G, p.Cys259Gly (NM_001345867.2, NM_001345869.2); c.1715+1133T>G (NM_001345868.2); short protein forms C259G, C583G.
Identifiers: ClinVar variation 1929818 (VCV001929818.5), dbSNP rs1180485200, ClinGen allele CA356764796.
Genomic context (GRCh38, chr4:44,695,646, plus strand): 5'-ATATAAACAGTTGTATTTTTCTGTCTCAGAGACAAAGCTCATTCAATTGGCAAAGCCATA[T>G]GTGAACGGCTGAAGGATTCTCTTCCTAGGCAACTGTTTGAGATAGCAATTCAAGCTGCTA-3'
Protein context (NP_068746.2, residues 573-593): DKAHSIGKAI[Cys583Gly]ERLKDSLPRQ

ClinVar aggregate classification (germline): Uncertain significance (1 of 4 stars; one submission).

gnomAD v4.1: 1 of 1,613,066 alleles (0.000062%); highest among the groups gnomAD compares: Non-Finnish European, 0.000085%; no homozygotes.

Submission:

Labcorp Genetics (formerly Invitae), Labcorp
Classification: Uncertain significance. Last evaluated: 2022-08-10. Review status: criteria provided, single submitter. Criteria: Invitae Variant Classification Sherloc (09022015). Collection method: clinical testing. Allele origin: germline.
Comment: In summary, the available evidence is currently insufficient to determine the role of this variant in disease. Therefore, it has been classified as a Variant of Uncertain Significance. Algorithms developed to predict the effect of missense changes on protein structure and function are either unavailable or do not agree on the potential impact of this missense change (SIFT: "Deleterious"; PolyPhen-2: "Probably Damaging"; Align-GVGD: "Class C0"). This variant has not been reported in the literature in individuals affected with GUF1-related conditions. This variant is not present in population databases (gnomAD no frequency). This sequence change replaces cysteine, which is neutral and slightly polar, with glycine, which is neutral and non-polar, at codon 583 of the GUF1 protein (p.Cys583Gly).